The following is an entry in ClinVar:

ClinVar aggregate classification (germline): Pathogenic (1 of 4 stars; one submission).

Conditions:
Hereditary cancer-predisposing syndrome. Also called: Hereditary Cancer Syndrome; Neoplastic Syndromes, Hereditary; Hereditary neoplastic syndrome; Tumor predisposition. Identifiers: Orphanet 140162, MedGen C0027672, MeSH D009386, MONDO:0015356.

Submission:

Ambry Genetics
Classification: Pathogenic for Hereditary cancer-predisposing syndrome. Last evaluated: 2023-03-16. Review status: criteria provided, single submitter. Criteria: Ambry Variant Classification Scheme 2023. Collection method: clinical testing. Allele origin: germline.
Comment: The c.1986_1999del14 pathogenic mutation, located in coding exon 13 of the NBN gene, results from a deletion of 14 nucleotides at nucleotide positions 1986 to 1999, causing a translational frameshift with a predicted alternate stop codon (p.V663Yfs*10). This alteration is expected to result in loss of function by premature protein truncation or nonsense-mediated mRNA decay. As such, this alteration is interpreted as a disease-causing mutation.

NM_002485.5(NBN):c.1986_1999del (p.Val663fs)

Gene: NBN (nibrin; minus strand). Cytogenetic location: 8q21.3.
Variant type: Deletion.
Coding change: c.1986_1999del on transcript NM_002485.5 (MANE Select); coding-DNA positions 1986 to 1999, 14 bases deleted (GGTGATTAAAAACT).
Protein change: p.Val663fs; shifts the reading frame from valine 663.
Molecular consequence: frameshift variant.
Genome position (GRCh38, 1-based): chr8:89,946,211-89,946,224, AGTTTTTAATCACC deleted on the plus strand (GGTGATTAAAAACT on the coding strand, the reverse complement: NBN is on the minus strand); deleting any 14 consecutive bases within chr8:89,946,211-89,946,227 gives the same sequence; the c. name uses the placement nearest the transcript's 3' end. VCF-style (leftmost placement, unchanged base first): chr8-89946210-GAGTTTTTAATCACC-G. GRCh37 (hg19) VCF-style: chr8-90958438-GAGTTTTTAATCACC-G.
Other names: c.1740_1753del, p.Val581fs (NM_001024688.3); c.1986_1999del14 (NM_002485.4); short protein forms V581fs, V663fs.
Identifiers: ClinVar variation 142701 (VCV000142701.6), dbSNP rs587782653, ClinGen allele CA169175.